The following is an entry in ClinVar:

NM_000540.3(RYR1):c.15020A>G (p.Gln5007Arg)

Gene: RYR1 (ryanodine receptor 1; plus strand). Cytogenetic location: 19q13.2.
Variant type: single nucleotide variant.
Coding change: c.15020A>G on transcript NM_000540.3 (MANE Select); coding-DNA position 15020, A replaced by G.
Protein change: p.Gln5007Arg; replaces glutamine 5007 with arginine.
Molecular consequence: missense variant.
Genome position (GRCh38, 1-based): chr19:38,586,575, A>G. VCF-style: chr19-38586575-A-G. GRCh37 (hg19) VCF-style: chr19-39077215-A-G.
Other names: c.15005A>G, p.Gln5002Arg (NM_001042723.2); short protein forms Q5002R, Q5007R.
Identifiers: ClinVar variation 2703282 (VCV002703282.2), dbSNP rs2514782722, ClinGen allele CA405693853.

ClinVar aggregate classification (germline): Uncertain significance. Review status: criteria provided, multiple submitters, no conflicts (2 of 4 stars). 2 submissions from 2 submitters: Uncertain significance (2). Last evaluated 2024-06-12.

Conditions:
RYR1-related disorder. Also called: RYR1-related condition; RYR1-related disorders. Identifiers: MedGen CN239331.

Submissions (2):

GeneDx
Classification: Uncertain significance. Last evaluated: 2024-06-12. Review status: criteria provided, single submitter. Criteria: GeneDx Variant Classification Process June 2021. Collection method: clinical testing. Allele origin: germline. Affected: yes.
Comment: Not observed at significant frequency in large population cohorts (gnomAD); In silico analysis supports that this missense variant has a deleterious effect on protein structure/function; In silico analysis supports a deleterious effect on splicing; Has not been previously published as pathogenic or benign to our knowledge

Labcorp Genetics (formerly Invitae), Labcorp
Classification: Uncertain significance for RYR1-related disorder. Last evaluated: 2023-12-14. Review status: criteria provided, single submitter. Criteria: Invitae Variant Classification Sherloc (09022015). Collection method: clinical testing. Allele origin: germline.
Comment: This sequence change replaces glutamine, which is neutral and polar, with arginine, which is basic and polar, at codon 5007 of the RYR1 protein (p.Gln5007Arg). This variant is not present in population databases (gnomAD no frequency). This variant has not been reported in the literature in individuals affected with RYR1-related conditions. Advanced modeling of protein sequence and biophysical properties (such as structural, functional, and spatial information, amino acid conservation, physicochemical variation, residue mobility, and thermodynamic stability) performed at Invitae indicates that this missense variant is expected to disrupt RYR1 protein function with a positive predictive value of 95%. Algorithms developed to predict the effect of sequence changes on RNA splicing suggest that this variant may disrupt the consensus splice site. In summary, the available evidence is currently insufficient to determine the role of this variant in disease. Therefore, it has been classified as a Variant of Uncertain Significance.